The following is an entry in ClinVar:

NM_033305.3(VPS13A):c.3978del (p.Asp1327fs)

Gene: VPS13A (vacuolar protein sorting 13 homolog A; plus strand). Cytogenetic location: 9q21.2.
Variant type: Deletion.
Coding change: c.3978del on transcript NM_033305.3 (MANE Select); coding-DNA position 3978, one base deleted (A; older notation c.3978delA).
Protein change: p.Asp1327fs; shifts the reading frame from aspartic acid 1327.
Molecular consequence: frameshift variant.
Genome position (GRCh38, 1-based): chr9:77,307,962, A deleted; the last of 2 consecutive A bases (chr9:77,307,961-77,307,962); deleting either gives the same sequence. VCF-style (leftmost placement, unchanged base first): chr9-77307960-GA-G. GRCh37 (hg19) VCF-style: chr9-79922876-GA-G.
Other names: c.3861del, p.Asp1288fs (NM_001018037.2); c.3978del, p.Asp1327fs (NM_001018038.3, NM_015186.4); short protein forms D1288fs, D1327fs.
Identifiers: ClinVar variation 5012735 (VCV005012735.1).

ClinVar aggregate classification (germline): Pathogenic (1 of 4 stars; one submission).

Conditions:
VPS13A-related neurodegenerative disease. Also called: ACANTHOCYTOSIS WITH NEUROLOGIC DISORDER; LEVINE-CRITCHLEY SYNDROME; Choreoacanthocytosis; Chorea-acanthocytosis; Choreaacanthocytosis; VPS13A Disease. Identifiers: Orphanet 2388, MedGen C0393576, MONDO:0008695, OMIM 200150.

Submission:

Myriad Genetics, Inc.
Classification: Pathogenic for VPS13A-related neurodegenerative disease. Last evaluated: 2024-02-14. Review status: criteria provided, single submitter. Criteria: Myriad Autosomal Dominant, Autosomal Recessive and X-Linked Classification Criteria (2023). Collection method: clinical testing. Allele origin: unknown.
Comment: NM_033305.2(VPS13A):c.3978delA(D1327Ifs*2) is expected to be pathogenic in the context of VPS13A disease. This variant is predicted to lead to an abnormal or absent protein product due to the creation of a premature termination codon in VPS13A, a gene where loss-of-function variants are known to be pathogenic. Please note: this variant was assessed in the context of healthy population screening.